The following is an entry in ClinVar:

ClinVar aggregate classification (germline): Pathogenic (1 of 4 stars; one submission).

Submission:

Labcorp Genetics (formerly Invitae), Labcorp
Classification: Pathogenic. Last evaluated: 2023-05-15. Review status: criteria provided, single submitter. Criteria: Invitae Variant Classification Sherloc (09022015). Collection method: clinical testing. Allele origin: germline.
Comment: This sequence change creates a premature translational stop signal (p.Cys188Leufs*27) in the COX15 gene. It is expected to result in an absent or disrupted protein product. Loss-of-function variants in COX15 are known to be pathogenic (PMID: 15863660, 21412973). For these reasons, this variant has been classified as Pathogenic. This variant has not been reported in the literature in individuals affected with COX15-related conditions. This variant is not present in population databases (gnomAD no frequency).

Literature cited by the submitters: PubMed 15863660; PubMed 21412973.

NM_078470.6(COX15):c.562dup (p.Cys188fs)

Gene: COX15 (cytochrome c oxidase assembly factor COX15; minus strand). Cytogenetic location: 10q24.2.
Variant type: Duplication.
Coding change: c.562dup on transcript NM_078470.6 (MANE Select); coding-DNA position 562, one base duplicated (T; older notation c.562dupT).
Protein change: p.Cys188fs; shifts the reading frame from cysteine 188.
Molecular consequence: frameshift variant. On other transcripts: non-coding transcript variant (1).
Genome position (GRCh38, 1-based): chr10:99,726,988, A duplicated on the plus strand (T on the coding strand, the reverse complement: COX15 is on the minus strand). VCF-style (leftmost placement, unchanged base first): chr10-99726987-C-CA. GRCh37 (hg19) VCF-style: chr10-101486744-C-CA.
Other names: c.562dup, p.Cys188fs (NM_001320974.2, NM_001320975.2, NM_001372024.1 and 5 more transcripts); c.25dup, p.Cys9fs (NM_001320976.2); short protein forms C188fs, C9fs.
Identifiers: ClinVar variation 2809650 (VCV002809650.3), dbSNP rs2492721228, ClinGen allele CA2739270957.